The following is an entry in ClinVar:

NM_013432.5(TONSL):c.3275C>T (p.Ala1092Val)

Gene: TONSL (tonsoku like, DNA repair protein; minus strand). Cytogenetic location: 8q24.3.
Variant type: single nucleotide variant.
Coding change: c.3275C>T on transcript NM_013432.5 (MANE Select); coding-DNA position 3275, C replaced by T.
Protein change: p.Ala1092Val; replaces alanine 1092 with valine.
Molecular consequence: missense variant.
Genome position (GRCh38, 1-based): chr8:144,434,090, G>A on the plus strand (C>T on the coding strand, the complement: TONSL is on the minus strand). VCF-style: chr8-144434090-G-A. GRCh37 (hg19) VCF-style: chr8-145659473-G-A.
Other names: short protein forms A1092V.
Identifiers: ClinVar variation 1478564 (VCV001478564.9), dbSNP rs1448766253, ClinGen allele CA372646038.
Genomic context (GRCh38, chr8:144,434,090, plus strand): 5'-GGACCCAGGTGATTGGAGGAGAGGTCAAGGAGGGCCAGGCTGGGCATGGTGCCCAGGGCA[G>A]CCACCAGCTCAGCCACACACTTGTCCCCCAGCCGGTTCCCTGCCAGGCGCAGCTCCCGGA-3'
Protein context (NP_038460.4, residues 1082-1102): LGDKCVAELV[Ala1092Val]ALGTMPSLAL

ClinVar aggregate classification (germline): Uncertain significance. Review status: criteria provided, multiple submitters, no conflicts (2 of 4 stars). 2 submissions from 2 submitters: Uncertain significance (2). Last evaluated 2021-07-28.

Conditions:
Sponastrime dysplasia. Also called: SPONDYLAR AND NASAL ALTERATIONS WITH STRIATED METAPHYSES. Identifiers: Orphanet 93357, MedGen C1300260, MONDO:0010068, OMIM 271510.

Allele frequency attached by ClinVar (database versions not stated): gnomAD exomes below 0.00001; TOPMed below 0.00001; gnomAD 0.00001.
gnomAD v4.1: 2 of 1,612,166 alleles (0.00012%); highest among the groups gnomAD compares: African/African-American, 0.0027%; no homozygotes.

Submissions (2):

Labcorp Genetics (formerly Invitae), Labcorp
Classification: Uncertain significance. Last evaluated: 2021-07-28. Review status: criteria provided, single submitter. Criteria: Invitae Variant Classification Sherloc (09022015). Collection method: clinical testing. Allele origin: germline.
Comment: Algorithms developed to predict the effect of missense changes on protein structure and function are either unavailable or do not agree on the potential impact of this missense change (SIFT: "Tolerated"; PolyPhen-2: "Possibly Damaging"; Align-GVGD: "Class C0"). In summary, the available evidence is currently insufficient to determine the role of this variant in disease. Therefore, it has been classified as a Variant of Uncertain Significance. This variant has not been reported in the literature in individuals with TONSL-related conditions. This variant is not present in population databases (ExAC no frequency). This sequence change replaces alanine with valine at codon 1092 of the TONSL protein (p.Ala1092Val). The alanine residue is moderately conserved and there is a small physicochemical difference between alanine and valine.

Department of Pathology and Laboratory Medicine, Sinai Health System
Classification: Uncertain significance for Sponastrime dysplasia. Last evaluated: 2020-08-05. Review status: criteria provided, single submitter. Criteria: ACMG Guidelines, 2015. Collection method: research. Allele origin: germline.